The following is an entry in ClinVar:

ClinVar aggregate classification (germline): Uncertain significance. Review status: criteria provided, multiple submitters, no conflicts (2 of 4 stars). 3 submissions from 3 submitters: Uncertain significance (2). 1 of the submissions does not count toward it. Last evaluated 2022-03-29.

Conditions:
Neuronal ceroid lipofuscinosis 2. Also called: JANSKY-BIELSCHOWSKY DISEASE NEURONAL CEROID LIPOFUSCINOSIS, LATE INFANTILE; TPP1-Related Neuronal Ceroid-Lipofuscinosis. Identifiers: Orphanet 168491, Orphanet 228349, Orphanet 79264, MedGen C1876161, MONDO:0008769, OMIM 204500.

Submissions (3):

GeneDx
Classification: Uncertain significance. Last evaluated: 2022-03-29. Review status: criteria provided, single submitter. Criteria: GeneDx Variant Classification Process June 2021. Collection method: clinical testing. Allele origin: germline. Affected: yes.
Comment: Not observed at significant frequency in large population cohorts (gnomAD); In silico analysis supports that this missense variant has a deleterious effect on protein structure/function; Has not been previously published as pathogenic or benign to our knowledge

Labcorp Genetics (formerly Invitae), Labcorp
Classification: Uncertain significance. Last evaluated: 2022-02-10. Review status: criteria provided, single submitter. Criteria: Invitae Variant Classification Sherloc (09022015). Collection method: clinical testing. Allele origin: germline.
Comment: This sequence change replaces arginine, which is basic and polar, with cysteine, which is neutral and slightly polar, at codon 520 of the TPP1 protein (p.Arg520Cys). This variant is not present in population databases (gnomAD no frequency). This variant has not been reported in the literature in individuals affected with TPP1-related conditions. ClinVar contains an entry for this variant (Variation ID: 639975). Advanced modeling of protein sequence and biophysical properties (such as structural, functional, and spatial information, amino acid conservation, physicochemical variation, residue mobility, and thermodynamic stability) performed at Invitae indicates that this missense variant is not expected to disrupt TPP1 protein function. In summary, the available evidence is currently insufficient to determine the role of this variant in disease. Therefore, it has been classified as a Variant of Uncertain Significance.

Natera, Inc.
Classification: Uncertain significance for Neuronal ceroid lipofuscinosis 2. Last evaluated: 2021-03-02. Review status: no assertion criteria provided. Collection method: clinical testing. Allele origin: germline. Not counted in ClinVar's aggregate classification.

NM_000391.4(TPP1):c.1558C>T (p.Arg520Cys)

Gene: TPP1 (tripeptidyl peptidase 1; minus strand). Cytogenetic location: 11p15.4.
Variant type: single nucleotide variant.
Coding change: c.1558C>T on transcript NM_000391.4 (MANE Select); coding-DNA position 1558, C replaced by T.
Protein change: p.Arg520Cys; replaces arginine 520 with cysteine.
Molecular consequence: missense variant.
Genome position (GRCh38, 1-based): chr11:6,614,680, G>A on the plus strand (C>T on the coding strand, the complement: TPP1 is on the minus strand). VCF-style: chr11-6614680-G-A. GRCh37 (hg19) VCF-style: chr11-6635911-G-A.
Other names: short protein forms R520C.
Identifiers: ClinVar variation 639975 (VCV000639975.9), dbSNP rs371204585, ClinGen allele CA379472217.
Genomic context (GRCh38, chr11:6,614,680, plus strand): 5'-GACCAGAGCAGAAACCCTGGCCCTCTACCTCTTCATCCAGACAGGACTCATGGCAGCCAC[G>A]GGTTACCTAGGGAGGAGGCTGGCATCAGATCTGGGCCTACTAGTACCAGTACTTAAAGAG-3'
Protein context (NP_000382.3, residues 510-530): QHGAGLFDVT[Arg520Cys]GCHESCLDEE